The following is an entry in ClinVar:

ClinVar aggregate classification (germline): Pathogenic (1 of 4 stars; one submission).

Allele frequency attached by ClinVar (database versions not stated): gnomAD exomes below 0.00001; TOPMed below 0.00001.
gnomAD v4.1: 1 of 1,605,446 alleles (0.000062%); highest among the groups gnomAD compares: Admixed American, 0.0017%; no homozygotes.

Submission:

Labcorp Genetics (formerly Invitae), Labcorp
Classification: Pathogenic. Last evaluated: 2023-08-16. Review status: criteria provided, single submitter. Criteria: Invitae Variant Classification Sherloc (09022015). Collection method: clinical testing. Allele origin: germline.
Comment: For these reasons, this variant has been classified as Pathogenic. This variant has not been reported in the literature in individuals affected with LARS2-related conditions. This sequence change creates a premature translational stop signal (p.Trp551*) in the LARS2 gene. It is expected to result in an absent or disrupted protein product. Loss-of-function variants in LARS2 are known to be pathogenic (PMID: 23541342, 30737337). This variant is present in population databases (no rsID available, gnomAD 0.003%).

Literature cited by the submitters: PubMed 23541342; PubMed 30737337.

NM_015340.4(LARS2):c.1653G>A (p.Trp551Ter)

Genes: LARS2 (leucyl-tRNA synthetase 2, mitochondrial; plus strand), LARS2-AS1 (LARS2 antisense RNA 1; minus strand). Cytogenetic location: 3p21.31.
Variant type: single nucleotide variant.
Coding change: c.1653G>A on transcript NM_015340.4 (MANE Select); coding-DNA position 1653, G replaced by A.
Protein change: p.Trp551Ter; replaces tryptophan 551 with a stop codon.
Molecular consequence: nonsense.
Genome position (GRCh38, 1-based): chr3:45,500,472, G>A. VCF-style: chr3-45500472-G-A. GRCh37 (hg19) VCF-style: chr3-45541964-G-A.
Other names: c.1653G>A, p.Trp551Ter (NM_001368263.1); short protein forms W551*.
Identifiers: ClinVar variation 2750538 (VCV002750538.3), dbSNP rs1225209196, ClinGen allele CA352426951.